The following is an entry in ClinVar:

NM_000152.5(GAA):c.1716C>A (p.His572Gln)

Gene: GAA (alpha glucosidase; plus strand). Cytogenetic location: 17q25.3.
Variant type: single nucleotide variant.
Coding change: c.1716C>A on transcript NM_000152.5 (MANE Select); coding-DNA position 1716, C replaced by A.
Protein change: p.His572Gln; replaces histidine 572 with glutamine.
Molecular consequence: missense variant.
Genome position (GRCh38, 1-based): chr17:80,112,062, C>A. VCF-style: chr17-80112062-C-A. GRCh37 (hg19) VCF-style: chr17-78085861-C-A.
Other names: c.1716C>A, p.His572Gln (NM_001079803.3, NM_001079804.3, NM_001406741.1 and 1 more transcripts); short protein forms H572Q.
Identifiers: ClinVar variation 3375291 (VCV003375291.2).

ClinVar aggregate classification (germline): Uncertain significance. Review status: criteria provided, multiple submitters, no conflicts (2 of 4 stars). 2 submissions from 2 submitters: Uncertain significance (2). Last evaluated 2026-07-01.

Conditions:
Glycogen storage disease, type II (IOPD). Also called: CARDIOMEGALIA GLYCOGENICA DIFFUSA; GLYCOGENOSIS, GENERALIZED, CARDIAC FORM; GSD II; Glycogen storage disease type 2; Acid maltase deficiency disease; Aglucosidase alfa. Identifiers: Orphanet 365, MedGen C0017921, MONDO:0009290, OMIM 232300.

gnomAD v4.1: 1 of 1,614,092 alleles (0.000062%); highest among the groups gnomAD compares: South Asian, 0.0011%; no homozygotes.

Submissions (2):

Genomenon, Inc
Classification: Uncertain significance for Glycogen storage disease, type II. Last evaluated: 2026-07-01. Review status: criteria provided, single submitter. Criteria: Genomenon Sequence Variant Interpretation Standards - Updated. Collection method: curation. Allele origin: germline. Affected: yes.
Comment: GAA p.His572Gln (c.1716C>A) is a missense variant that changes the amino acid at codon 572 from Histidine to Glutamine. This variant has been observed in at least one proband with a GAA-related disorder in the compound heterozygous and/or homozygous state (PMID:33301762;31606152). It is absent or not present at a significant frequency in gnomAD. In silico models predict that this variant is possibly or probably damaging. In conclusion, we classify GAA p.His572Gln (c.1716C>A) as a variant of uncertain significance.

Women's Health and Genetics/Laboratory Corporation of America, LabCorp
Classification: Uncertain significance. Last evaluated: 2024-09-23. Review status: criteria provided, single submitter. Criteria: LabCorp Variant Classification Summary - May 2015. Collection method: clinical testing. Allele origin: germline.
Comment: Variant summary: GAA c.1716C>A (p.His572Gln) results in a non-conservative amino acid change located in the Glycoside hydrolase family 31, TIM barrel domain (IPR000322) of the encoded protein sequence. Five of five in-silico tools predict a damaging effect of the variant on protein function. The variant allele was found at a frequency of 4e-06 in 251340 control chromosomes. c.1716C>A has been reported in the literature in a homozygous individual affected with Glycogen Storage Disease, Type 2 (Pompe Disease) (Thomas_2021). These data indicate that the variant may be associated with disease. To our knowledge, no experimental evidence demonstrating an impact on protein function has been reported. The following publications have been ascertained in the context of this evaluation (PMID: 31606152, 33301762). No submitters have cited clinical-significance assessments for this variant to ClinVar. Based on the evidence outlined above, the variant was classified as VUS-possibly pathogenic.

Literature cited by the submitters: PubMed 33301762 (cited by Genomenon, Inc and Women's Health and Genetics/Laboratory Corporation of America, LabCorp); PubMed 31606152 (cited by Genomenon, Inc and Women's Health and Genetics/Laboratory Corporation of America, LabCorp).